The following is an entry in ClinVar:

NM_002500.5(NEUROD1):c.170G>A (p.Gly57Glu)

Gene: NEUROD1 (neuronal differentiation 1; minus strand). Cytogenetic location: 2q31.3.
Variant type: single nucleotide variant.
Coding change: c.170G>A on transcript NM_002500.5 (MANE Select); coding-DNA position 170, G replaced by A.
Protein change: p.Gly57Glu; replaces glycine 57 with glutamic acid.
Molecular consequence: missense variant.
Genome position (GRCh38, 1-based): chr2:181,678,691, C>T on the plus strand (G>A on the coding strand, the complement: NEUROD1 is on the minus strand). VCF-style: chr2-181678691-C-T. GRCh37 (hg19) VCF-style: chr2-182543418-C-T.
Other names: c.170G>A (NM_002500.3); short protein forms G57E.
Identifiers: ClinVar variation 1003844 (VCV001003844.9), dbSNP rs766539353, ClinGen allele CA349787149.
Genomic context (GRCh38, chr2:181,678,691, plus strand): 5'-TCATCCTCCTCTTCCTCTTCTTCCTCCTCTTCCAGGTCCTCATCTTCGTCCTCCTCCTCT[C>T]CCCCGTTCCTCAGTGAGTCCTCCTCTGCGTTCATGGTTTCGAGGTCGTCCTCCTTCTTGT-3'
Protein context (NP_002491.3, residues 47-67): NAEEDSLRNG[Gly57Glu]EEEDEDEDLE

ClinVar aggregate classification (germline): Uncertain significance. Review status: criteria provided, multiple submitters, no conflicts (2 of 4 stars). 2 submissions from 2 submitters: Uncertain significance (2). Last evaluated 2025-06-18.

Conditions:
Inborn genetic diseases. Identifiers: MedGen C0950123, MeSH D030342.

Allele frequency attached by ClinVar (database versions not stated): gnomAD 0.00001; TOPMed 0.00002.

Submissions (2):

Ambry Genetics
Classification: Uncertain significance for Inborn genetic diseases. Last evaluated: 2025-06-18. Review status: criteria provided, single submitter. Criteria: Ambry Variant Classification Scheme 2023. Collection method: clinical testing. Allele origin: germline.

Labcorp Genetics (formerly Invitae), Labcorp
Classification: Uncertain significance. Last evaluated: 2024-01-12. Review status: criteria provided, single submitter. Criteria: Invitae Variant Classification Sherloc (09022015). Collection method: clinical testing. Allele origin: germline.
Comment: This sequence change replaces glycine, which is neutral and non-polar, with glutamic acid, which is acidic and polar, at codon 57 of the NEUROD1 protein (p.Gly57Glu). This variant is present in population databases (no rsID available, gnomAD 0.01%). This variant has not been reported in the literature in individuals affected with NEUROD1-related conditions. ClinVar contains an entry for this variant (Variation ID: 1003844). Advanced modeling of protein sequence and biophysical properties (such as structural, functional, and spatial information, amino acid conservation, physicochemical variation, residue mobility, and thermodynamic stability) performed at Invitae indicates that this missense variant is not expected to disrupt NEUROD1 protein function with a negative predictive value of 80%. In summary, the available evidence is currently insufficient to determine the role of this variant in disease. Therefore, it has been classified as a Variant of Uncertain Significance.